The following is an entry in ClinVar:

NM_000138.5(FBN1):c.816A>G (p.Lys272=)

Gene: FBN1 (fibrillin 1; minus strand). Cytogenetic location: 15q21.1.
Variant type: single nucleotide variant.
Coding change: c.816A>G on transcript NM_000138.5 (MANE Select); coding-DNA position 816, A replaced by G.
Protein change: p.Lys272=; no amino-acid change (lysine 272 retained).
Molecular consequence: synonymous variant.
Genome position (GRCh38, 1-based): chr15:48,534,126, T>C on the plus strand (A>G on the coding strand, the complement: FBN1 is on the minus strand). VCF-style: chr15-48534126-T-C. GRCh37 (hg19) VCF-style: chr15-48826323-T-C.
Other names: c.816A>G, p.Lys272= (NM_001406716.1, NM_001406717.1).
Identifiers: ClinVar variation 2938551 (VCV002938551.4), dbSNP rs1191508155, ClinGen allele CA490028666.

ClinVar aggregate classification (germline): Likely benign. Review status: criteria provided, multiple submitters, no conflicts (2 of 4 stars). 2 submissions from 2 submitters: Likely benign (2). Last evaluated 2024-08-13.

Conditions:
Marfan syndrome (MFS). Also called: MARFAN SYNDROME, TYPE I; Marfan syndrome type 1; Marfan's syndrome; Marfan syndrome, classic; FBN1-Related Marfan Syndrome. Identifiers: Orphanet 284963, Orphanet 558, MedGen C0024796, MONDO:0007947, OMIM 154700.
Familial thoracic aortic aneurysm and aortic dissection (TAAD). Also called: Thoracic aortic aneurysms and dissections. Identifiers: Orphanet 91387, MedGen C4707243, MONDO:0019625.

Allele frequency attached by ClinVar (database versions not stated): gnomAD 0.00001; TOPMed below 0.00001.
gnomAD v4.1: 2 of 1,613,636 alleles (0.00012%); highest among the groups gnomAD compares: Non-Finnish European, 0.00017%; no homozygotes.

Submissions (2):

Labcorp Genetics (formerly Invitae), Labcorp
Classification: Likely benign for Marfan syndrome; Familial thoracic aortic aneurysm and aortic dissection. Last evaluated: 2024-08-13. Review status: criteria provided, single submitter. Criteria: Invitae Variant Classification Sherloc (09022015). Collection method: clinical testing. Allele origin: germline.

All of Us Research Program, National Institutes of Health
Classification: Likely benign for Marfan syndrome. Last evaluated: 2023-09-17. Review status: criteria provided, single submitter. Criteria: ACMG Guidelines, 2015. Collection method: clinical testing. Allele origin: germline. Inheritance: Autosomal dominant inheritance. Observed: 1 variant allele, 1 heterozygote.
Comment: This study involves interpretation of variants in research participants for the purpose of population health screening. Participant phenotype was not available at the time of variant classification. Additional details can be found in publication PMID: 35346344, PMCID: PMC8962531